The following is an entry in ClinVar:

ClinVar aggregate classification (germline): Uncertain significance. Review status: criteria provided, multiple submitters, no conflicts (2 of 4 stars). 3 submissions from 3 submitters: Uncertain significance (3). Last evaluated 2024-09-05.

Allele frequency attached by ClinVar (database versions not stated): TOPMed 0.00001; ExAC 0.00002; gnomAD 0.00002.

Submissions (3):

Blueprint Genetics
Classification: Uncertain significance. Last evaluated: 2024-09-05. Review status: criteria provided, single submitter. Criteria: ACMG Guidelines, 2015. Collection method: clinical testing. Allele origin: germline.

Ambry Genetics
Classification: Uncertain significance. Last evaluated: 2023-12-15. Review status: criteria provided, single submitter. Criteria: Ambry Variant Classification Scheme 2023. Collection method: clinical testing. Allele origin: germline.

Labcorp Genetics (formerly Invitae), Labcorp
Classification: Uncertain significance. Last evaluated: 2022-11-01. Review status: criteria provided, single submitter. Criteria: Invitae Variant Classification Sherloc (09022015). Collection method: clinical testing. Allele origin: germline.
Comment: Advanced modeling of protein sequence and biophysical properties (such as structural, functional, and spatial information, amino acid conservation, physicochemical variation, residue mobility, and thermodynamic stability) performed at Invitae indicates that this missense variant is expected to disrupt RCBTB1 protein function. In summary, the available evidence is currently insufficient to determine the role of this variant in disease. Therefore, it has been classified as a Variant of Uncertain Significance. ClinVar contains an entry for this variant (Variation ID: 1005997). This variant has not been reported in the literature in individuals affected with RCBTB1-related conditions. This variant is present in population databases (rs774421256, gnomAD 0.006%). This sequence change replaces arginine, which is basic and polar, with tryptophan, which is neutral and slightly polar, at codon 314 of the RCBTB1 protein (p.Arg314Trp).

NM_018191.4(RCBTB1):c.940C>T (p.Arg314Trp)

Gene: RCBTB1 (RCC1 and BTB domain containing protein 1; minus strand). Cytogenetic location: 13q14.2.
Variant type: single nucleotide variant.
Coding change: c.940C>T on transcript NM_018191.4 (MANE Select); coding-DNA position 940, C replaced by T.
Protein change: p.Arg314Trp; replaces arginine 314 with tryptophan.
Molecular consequence: missense variant. On other transcripts: non-coding transcript variant (2).
Genome position (GRCh38, 1-based): chr13:49,549,563, G>A on the plus strand (C>T on the coding strand, the complement: RCBTB1 is on the minus strand). VCF-style: chr13-49549563-G-A. GRCh37 (hg19) VCF-style: chr13-50123699-G-A.
Other names: c.940C>T, p.Arg314Trp (NM_001352500.2, NM_001352501.2, NM_001352502.2 and 3 more transcripts); c.361C>T, p.Arg121Trp (NM_001352506.2); c.940C>T (NM_018191.3); short protein forms R121W, R314W.
Identifiers: ClinVar variation 1005997 (VCV001005997.8), dbSNP rs774421256, ClinGen allele CA6982733.